The following is an entry in ClinVar:

ClinVar aggregate classification (germline): Likely benign (1 of 4 stars; one submission).

Conditions:
Marfan syndrome (MFS). Also called: MARFAN SYNDROME, TYPE I; Marfan syndrome type 1; Marfan's syndrome; FBN1-Related Marfan Syndrome; Marfan syndrome, classic. Identifiers: Orphanet 284963, Orphanet 558, MedGen C0024796, MONDO:0007947, OMIM 154700.

Submission:

All of Us Research Program, National Institutes of Health
Classification: Likely benign for Marfan syndrome. Last evaluated: 2024-04-16. Review status: criteria provided, single submitter. Criteria: ACMG Guidelines, 2015. Collection method: clinical testing. Allele origin: germline. Inheritance: Autosomal dominant inheritance. Observed: 1 variant allele, 1 heterozygote.
Comment: This study involves interpretation of variants in research participants for the purpose of population health screening. Participant phenotype was not available at the time of variant classification. Additional details can be found in publication PMID: 35346344, PMCID: PMC8962531

NM_000138.5(FBN1):c.1518C>T (p.Asn506=)

Gene: FBN1 (fibrillin 1; minus strand). Cytogenetic location: 15q21.1.
Variant type: single nucleotide variant.
Coding change: c.1518C>T on transcript NM_000138.5 (MANE Select); coding-DNA position 1518, C replaced by T.
Protein change: p.Asn506=; no amino-acid change (asparagine 506 retained).
Molecular consequence: synonymous variant.
Genome position (GRCh38, 1-based): chr15:48,513,619, G>A on the plus strand (C>T on the coding strand, the complement: FBN1 is on the minus strand). VCF-style: chr15-48513619-G-A. GRCh37 (hg19) VCF-style: chr15-48805816-G-A.
Other names: c.1518C>T, p.Asn506= (NM_001406716.1).
Identifiers: ClinVar variation 3386849 (VCV003386849.1).
Genomic context (GRCh38, chr15:48,513,619, plus strand): 5'-TGTCCGCGTGAGTGTGCTCTGATATCCAGCTCGGCACTGACAGGTGTACGAACCCTGGTT[G>A]TTAATACACTCACCACCAGCACAGGGGTTTTTCTCACATTCATCAACATCTGCAAAGCAC-3'
Protein context (NP_000129.3, residues 496-516): KNPCAGGECI[Asn506=]NQGSYTCQCR